The following is an entry in ClinVar:

ClinVar aggregate classification (germline): Uncertain significance (1 of 4 stars; one submission).

Conditions:
Axenfeld-Rieger syndrome type 3 (RIEG3). Also called: AXENFELD-RIEGER ANOMALY WITH CARDIAC DEFECTS AND/OR SENSORINEURAL HEARING LOSS. Identifiers: Orphanet 782, MedGen C2678503, MONDO:0011233, OMIM 602482.

Submission:

Labcorp Genetics (formerly Invitae), Labcorp
Classification: Uncertain significance for Axenfeld-Rieger syndrome type 3. Last evaluated: 2023-04-22. Review status: criteria provided, single submitter. Criteria: Invitae Variant Classification Sherloc (09022015). Collection method: clinical testing. Allele origin: germline.
Comment: In summary, the available evidence is currently insufficient to determine the role of this variant in disease. Therefore, it has been classified as a Variant of Uncertain Significance. Algorithms developed to predict the effect of missense changes on protein structure and function output the following: SIFT: "Not Available"; PolyPhen-2: "Possibly Damaging"; Align-GVGD: "Not Available". The threonine amino acid residue is found in multiple mammalian species, which suggests that this missense change does not adversely affect protein function. This variant has not been reported in the literature in individuals affected with FOXC1-related conditions. This variant is not present in population databases (gnomAD no frequency). This sequence change replaces alanine, which is neutral and non-polar, with threonine, which is neutral and polar, at codon 464 of the FOXC1 protein (p.Ala464Thr).

NM_001453.3(FOXC1):c.1390G>A (p.Ala464Thr)

Gene: FOXC1 (forkhead box C1; plus strand). Cytogenetic location: 6p25.3.
Variant type: single nucleotide variant.
Coding change: c.1390G>A on transcript NM_001453.3 (MANE Select); coding-DNA position 1390, G replaced by A.
Protein change: p.Ala464Thr; replaces alanine 464 with threonine.
Molecular consequence: missense variant.
Genome position (GRCh38, 1-based): chr6:1,611,835, G>A. VCF-style: chr6-1611835-G-A. GRCh37 (hg19) VCF-style: chr6-1612070-G-A.
Other names: short protein forms A464T.
Identifiers: ClinVar variation 3004962 (VCV003004962.3), dbSNP rs1174290910, ClinGen allele CA362560821.